The following is an entry in ClinVar:

ClinVar aggregate classification (germline): Likely pathogenic (1 of 4 stars; one submission).

Conditions:
Maple syrup urine disease (MSUD). Identifiers: Orphanet 511, MedGen C0024776, MeSH D008375, MONDO:0009563. Disease mechanism: loss of function.

gnomAD v4.1: 3 of 1,614,184 alleles (0.00019%); highest among the groups gnomAD compares: Non-Finnish European, 0.00025%; no homozygotes.

Submission:

Labcorp Genetics (formerly Invitae), Labcorp
Classification: Likely pathogenic for Maple syrup urine disease. Last evaluated: 2020-07-28. Review status: criteria provided, single submitter. Criteria: Invitae Variant Classification Sherloc (09022015). Collection method: clinical testing. Allele origin: germline.
Comment: In summary, the currently available evidence indicates that the variant is pathogenic, but additional data are needed to prove that conclusively. Therefore, this variant has been classified as Likely Pathogenic. This variant disrupts the p.Phe409 amino acid residue in BCKDHA. Other variant(s) that disrupt this residue have been determined to be pathogenic (PMID: 7883996, Invitae). This suggests that this residue is clinically significant, and that variants that disrupt this residue are likely to be disease-causing. Advanced modeling of protein sequence and biophysical properties (such as structural, functional, and spatial information, amino acid conservation, physicochemical variation, residue mobility, and thermodynamic stability) performed at Invitae indicates that this missense variant is expected to disrupt BCKDHA protein function. This variant has not been reported in the literature in individuals with BCKDHA-related conditions. This variant is not present in population databases (ExAC no frequency). This sequence change replaces phenylalanine with leucine at codon 409 of the BCKDHA protein (p.Phe409Leu). The phenylalanine residue is highly conserved and there is a small physicochemical difference between phenylalanine and leucine.

Literature cited by the submitters: PubMed 7883996.

NM_000709.4(BCKDHA):c.1227C>G (p.Phe409Leu)

Gene: BCKDHA (branched chain keto acid dehydrogenase E1 subunit alpha; plus strand). Cytogenetic location: 19q13.2.
Variant type: single nucleotide variant.
Coding change: c.1227C>G on transcript NM_000709.4 (MANE Select); coding-DNA position 1227, C replaced by G.
Protein change: p.Phe409Leu; replaces phenylalanine 409 with leucine.
Molecular consequence: missense variant.
Genome position (GRCh38, 1-based): chr19:41,424,497, C>G. VCF-style: chr19-41424497-C-G. GRCh37 (hg19) VCF-style: chr19-41930402-C-G.
Other names: c.1224C>G, p.Phe408Leu (NM_001164783.2); short protein forms F408L, F409L.
Identifiers: ClinVar variation 1066997 (VCV001066997.9), dbSNP rs2098470870, ClinGen allele CA406015371.
Genomic context (GRCh38, chr19:41,424,497, plus strand): 5'-GGTGATGGAGGCCTTTGAGCAGGCCGAGCGGAAGCCCAAACCCAACCCCAACCTACTCTT[C>G]TCAGACGTGTATCAGGAGATGCCCGCCCAGCTCCGCAAGCAGCAGGAGTCTCTGGCCCGC-3'
Protein context (NP_000700.1, residues 399-419): RKPKPNPNLL[Phe409Leu]SDVYQEMPAQ